The following is an entry in ClinVar:

NM_001571.6(IRF3):c.669G>A (p.Pro223=)

Gene: IRF3 (interferon regulatory factor 3; minus strand). Cytogenetic location: 19q13.33.
Variant type: single nucleotide variant.
Coding change: c.669G>A on transcript NM_001571.6 (MANE Select); coding-DNA position 669, G replaced by A.
Protein change: p.Pro223=; no amino-acid change (proline 223 retained).
Molecular consequence: synonymous variant. On other transcripts: non-coding transcript variant (1), intron variant (3).
Genome position (GRCh38, 1-based): chr19:49,662,261, C>T on the plus strand (G>A on the coding strand, the complement: IRF3 is on the minus strand). VCF-style: chr19-49662261-C-T. GRCh37 (hg19) VCF-style: chr19-50165518-C-T.
Other names: c.669G>A, p.Pro223= (NM_001197122.2); c.564G>A, p.Pro188= (NM_001197123.2); c.231G>A, p.Pro77= (NM_001197125.2, NM_001197126.2); c.163+164G>A (NM_001197128.2, NM_001197127.2); c.601+164G>A (NM_001197124.2).
Identifiers: ClinVar variation 3051575 (VCV003051575.2), dbSNP rs778251209, ClinGen allele CA9580365.

ClinVar aggregate classification (germline): Likely benign (0 of 4 stars; one submission).

Conditions:
IRF3-related disorder. Also called: IRF3-related condition.

Allele frequency attached by ClinVar (database versions not stated): gnomAD 0.00004; ExAC 0.00009; TOPMed 0.00009; gnomAD exomes 0.00012.
gnomAD v4.1: 187 of 1,613,824 alleles (0.012%); highest among the groups gnomAD compares: Non-Finnish European, 0.015%; no homozygotes.

Submission:

PreventionGenetics, part of Exact Sciences
Classification: Likely benign for IRF3-related condition. Last evaluated: 2020-09-17. Review status: no assertion criteria provided. Collection method: clinical testing. Allele origin: germline.
Comment: This variant is classified as likely benign based on ACMG/AMP sequence variant interpretation guidelines (Richards et al. 2015 PMID: 25741868, with internal and published modifications).